The following is an entry in ClinVar:

ClinVar aggregate classification (germline): Uncertain significance. Review status: criteria provided, multiple submitters, no conflicts (2 of 4 stars). 3 submissions from 3 submitters: Uncertain significance (3). Last evaluated 2025-07-11.

Conditions:
Cardiomyopathy (CMYO). Also called: Cardiomyopathies. Identifiers: Orphanet 167848, MedGen C0878544, MONDO:0004994, HP:0001638. Inheritance: Various modes of inheritance.

Allele frequency attached by ClinVar (database versions not stated): TOPMed 0.00001; gnomAD 0.00002.
gnomAD v4.1: 27 of 1,613,670 alleles (0.0017%); highest among the groups gnomAD compares: Non-Finnish European, 0.0023%; no homozygotes.

Submissions (3):

GeneDx
Classification: Uncertain significance. Last evaluated: 2025-07-11. Review status: criteria provided, single submitter. Criteria: GeneDx Variant Classification Process June 2021. Collection method: clinical testing. Allele origin: germline. Affected: yes.
Comment: Not observed at significant frequency in large population cohorts (gnomAD); Missense variant in a gene in which most reported pathogenic variants are truncating/loss of function; Has not been previously published as pathogenic or benign to our knowledge

CHEO Genetics Diagnostic Laboratory, Children's Hospital of Eastern Ontario
Classification: Uncertain significance for Cardiomyopathy. Last evaluated: 2017-06-09. Review status: criteria provided, single submitter. Criteria: ACMG Guidelines, 2015. Collection method: clinical testing. Allele origin: germline. Study: Canadian Open Genetics Repository.

Laboratory for Molecular Medicine, Mass General Brigham Personalized Medicine
Classification: Uncertain significance. Last evaluated: 2015-03-06. Review status: criteria provided, single submitter. Criteria: LMM Criteria. Collection method: clinical testing. Allele origin: germline. Observed: 1 variant allele.
Comment: Variant classified as Uncertain Significance - Favor Benign. The p.Asn29273Asp v ariant in TTN has not been previously reported in individuals with cardiomyopath y or large population studies. Asparagine (Asp) at position 29273 is not conserv ed in mammals or evolutionarily distant species with multiple birds having an as partic acid (Asp), which suggests that this change may be tolerated. Other compu tational prediction tools do not provide strong support for or against an impact to the protein. In summary, while the clinical significance of the p.Asn29273As p variant is uncertain, the presence of the variant amino acid in multiple other species suggests that it is more likely to be benign.

NM_001267550.2(TTN):c.95521A>G (p.Asn31841Asp)

Genes: TTN (titin; minus strand), TTN-AS1 (TTN antisense RNA 1; plus strand). Cytogenetic location: 2q31.2.
Variant type: single nucleotide variant.
Coding change: c.95521A>G on transcript NM_001267550.2 (MANE Select); coding-DNA position 95521, A replaced by G.
Protein change: p.Asn31841Asp; replaces asparagine 31841 with aspartic acid.
Molecular consequence: missense variant.
Genome position (GRCh38, 1-based): chr2:178,545,589, T>C on the plus strand (A>G on the coding strand, the complement: TTN is on the minus strand). VCF-style: chr2-178545589-T-C. GRCh37 (hg19) VCF-style: chr2-179410316-T-C.
Other names: p.N30200D:AAC>GAC; c.90598A>G, p.Asn30200Asp (NM_001256850.1); c.87817A>G, p.Asn29273Asp (NM_133378.4); c.68326A>G, p.Asn22776Asp (NM_003319.4); c.68701A>G, p.Asn22901Asp (NM_133432.3); c.68902A>G, p.Asn22968Asp (NM_133437.4); c.95521A>G (NM_001267550.1); short protein forms N30200D, N31841D, N29273D, N22901D, N22968D, N22776D.
Identifiers: ClinVar variation 203014 (VCV000203014.9), dbSNP rs794729540, ClinGen allele CA310980.